The following is an entry in ClinVar:

NM_003070.5(SMARCA2):c.3314G>C (p.Arg1105Pro)

Gene: SMARCA2 (SWI/SNF related BAF chromatin remodeling complex subunit ATPase 2; plus strand). Cytogenetic location: 9p24.3.
Variant type: single nucleotide variant.
Coding change: c.3314G>C on transcript NM_003070.5 (MANE Select); coding-DNA position 3314, G replaced by C.
Protein change: p.Arg1105Pro; replaces arginine 1105 with proline.
Molecular consequence: missense variant.
Genome position (GRCh38, 1-based): chr9:2,110,275, G>C. VCF-style: chr9-2110275-G-C. GRCh37 (hg19) VCF-style: chr9-2110275-G-C.
Other names: c.3314G>C, p.Arg1105Pro (NM_001289396.2, NM_139045.4); c.3140G>C, p.Arg1047Pro (NM_001289397.2); short protein forms R1105P, R1047P.
Identifiers: ClinVar variation 68770 (VCV000068770.29), dbSNP rs281875197, ClinGen allele CA219890.
Genomic context (GRCh38, chr9:2,110,275, plus strand): 5'-AAGAGTTAATTGGCAAATTAATTTTTCTGATCCCCTCAGGCACCACCAAGTCTGAAGATC[G>C]TGCTGCTTTGCTGAAGAAATTCAATGAACCTGGATCCCAGTATTTCATTTTCTTGCTGAG-3'
Protein context (NP_003061.3, residues 1095-1115): RLDGTTKSED[Arg1105Pro]AALLKKFNEP

ClinVar aggregate classification (germline): Pathogenic/Likely pathogenic. Review status: criteria provided, multiple submitters, no conflicts (2 of 4 stars). 6 submissions from 6 submitters: Pathogenic (1); Likely pathogenic (3). 2 of the submissions do not count toward it. Last evaluated 2023-10-31.

Conditions:
Nicolaides-Baraitser syndrome (NCBRS). Also called: Intellectual disability-sparse hair-brachydactyly syndrome; SMARCA2-Related Nicolaides-Baraitser Syndrome. Identifiers: Orphanet 3051, MedGen C1303073, MONDO:0011053, OMIM 601358.

Submissions (6):

GeneDx
Classification: Likely pathogenic. Last evaluated: 2023-10-31. Review status: criteria provided, single submitter. Criteria: GeneDx Variant Classification Process June 2021. Collection method: clinical testing. Allele origin: germline. Affected: yes.
Comment: Not observed in large population cohorts (gnomAD); In silico analysis, which includes protein predictors and evolutionary conservation, supports a deleterious effect; This variant is associated with the following publications: (PMID: 22366787, 35811451, 24090879)

Labcorp Genetics (formerly Invitae), Labcorp
Classification: Likely pathogenic. Last evaluated: 2023-07-17. Review status: criteria provided, single submitter. Criteria: Invitae Variant Classification Sherloc (09022015). Collection method: clinical testing. Allele origin: germline.
Comment: This variant disrupts the p.Arg1105 amino acid residue in SMARCA2. Other variant(s) that disrupt this residue have been determined to be pathogenic (PMID: 22366787). This suggests that this residue is clinically significant, and that variants that disrupt this residue are likely to be disease-causing. In summary, the currently available evidence indicates that the variant is pathogenic, but additional data are needed to prove that conclusively. Therefore, this variant has been classified as Likely Pathogenic. Advanced modeling of protein sequence and biophysical properties (such as structural, functional, and spatial information, amino acid conservation, physicochemical variation, residue mobility, and thermodynamic stability) performed at Invitae indicates that this missense variant is expected to disrupt SMARCA2 protein function. This sequence change replaces arginine, which is basic and polar, with proline, which is neutral and non-polar, at codon 1105 of the SMARCA2 protein (p.Arg1105Pro). This variant is not present in population databases (gnomAD no frequency). This missense change has been observed in individuals with Nicolaides-Baraitser syndrome (PMID: 22366787; Invitae). ClinVar contains an entry for this variant (Variation ID: 68770).

Laboratoire de Génétique Moléculaire, CHU Bordeaux
Classification: Pathogenic for Nicolaides-Baraitser syndrome. Last evaluated: 2023-05-03. Review status: criteria provided, single submitter. Criteria: ACMG Guidelines, 2015. Collection method: clinical testing. Allele origin: germline. Affected: yes.

Institute of Medical Genetics and Applied Genomics, University Hospital Tübingen
Classification: Likely pathogenic for Nicolaides-Baraitser syndrome. Last evaluated: 2022-06-20. Review status: criteria provided, single submitter. Criteria: ACMG Guidelines, 2015. Collection method: clinical testing. Allele origin: germline. Inheritance: Autosomal dominant inheritance. Affected: yes.

Child and Adolescent Psychiatry Residency Program, Foundation for Education and Research in Health Sciences
Classification: Pathogenic for Nicolaides-Baraitser syndrome. Review status: no assertion criteria provided. Collection method: clinical testing. Allele origin: de novo. Inheritance: Autosomal dominant inheritance. Affected: yes. Observed: 1 heterozygote. Not counted in ClinVar's aggregate classification.
Comment: PS4: The prevalence of the variant in affected individuals is significantly increased compared with the prevalence in controls PM1: Located in a mutational hot spot and/or critical and well-established functional domain PM2: Absent from controls (or at extremely low frequency if recessive) from ExAC, 1000Genomas, A3raM, TOPMED, and population databases. PM5: Novel missense change at an amino acid residue where a different missense change determined to be pathogenic has been seen before (p.R1105H, p.R1105C) (Sousa, Hennekam; Nicolaides-Baraitser Syndrome International Consortium, 2014). PM6: variant described as de novo, without confirmatory maternity and paternity analysis. PP3: Multiple lines of computational evidence support a deleterious effect on the gene or gene product [CADD = 34.0].

UniProtKB/Swiss-Prot
No classification provided. Review status: no classification provided. Collection method: not provided. Allele origin: not provided. Not counted in ClinVar's aggregate classification.

Literature cited by the submitters: PubMed 22366787 (cited by Labcorp Genetics (formerly Invitae), Labcorp); DOI 10.1002/ajmg.c.31409 (cited by Child and Adolescent Psychiatry Residency Program, Foundation for Education and Research in Health Sciences).